The following is an entry in ClinVar:

NM_001102416.3(KNG1):c.718C>T (p.Arg240Ter)

Gene: KNG1 (kininogen 1; plus strand). Cytogenetic location: 3q27.3.
Variant type: single nucleotide variant.
Coding change: c.718C>T on transcript NM_001102416.3 (MANE Select); coding-DNA position 718, C replaced by T.
Protein change: p.Arg240Ter; replaces arginine 240 with a stop codon.
Molecular consequence: nonsense.
Genome position (GRCh38, 1-based): chr3:186,731,590, C>T. VCF-style: chr3-186731590-C-T. GRCh37 (hg19) VCF-style: chr3-186449379-C-T.
Other names: c.718C>T, p.Arg240Ter (NM_000893.4); c.610C>T, p.Arg204Ter (NM_001166451.2); short protein forms R204*, R240*.
Identifiers: ClinVar variation 2578037 (VCV002578037.1), dbSNP rs761496908, ClinGen allele CA2746245.

ClinVar aggregate classification (germline): Pathogenic (1 of 4 stars; one submission).

Conditions:
High molecular weight kininogen deficiency. Also called: Reduced kininogen activity; Congenital high-molecular-weight kininogen deficiency; FITZGERALD TRAIT; HMWK DEFICIENCY. Identifiers: Orphanet 483, MedGen C0272340, MONDO:0009234, OMIM 228960, HP:0005527.

Allele frequency attached by ClinVar (database versions not stated): ExAC 0.00001; gnomAD 0.00001; gnomAD exomes 0.00001; TOPMed 0.00001.
gnomAD v4.1: 10 of 1,611,270 alleles (0.00062%); highest among the groups gnomAD compares: East Asian, 0.0022%; no homozygotes.

Submission:

Institute for Clinical Chemistry and Laboratory Medicine, University Medical Center Mainz
Classification: Pathogenic for High molecular weight kininogen deficiency. Last evaluated: 2023-09-04. Review status: criteria provided, single submitter. Criteria: ACMG Guidelines, 2015. Collection method: clinical testing. Allele origin: germline. Inheritance: Autosomal recessive inheritance. Affected: yes. Observed: 4 variant alleles, 3 heterozygotes, 1 homozygote. Clinical features observed: Prolonged partial thromboplastin time (HP:0003645), High molecular weight kininogen deficiency (HP:0005527).
Comment: This variant, NM_001102416.3(KNG1):c.718C>T p.(Arg240*), was found in a family with an index case deficient in high-molecular-weight kininogen (HK) (1% HK activity; <1% HK antigen, prolonged aPTT) (PMID: 36700498). One other HK deficient case (1% HK activity) carrying this variant can be found in the literature (Geisen et al. DOI 10.1007/3-540-27022-1_56). The MAF of the variant is ~0.0008-0.001% (dbSNP) and the exchange is in exon 6 of 10 (HK), presumably resulting in a premature stop codon and NMD. Therefore, we classified the variant as a pathogen.

Literature cited by the submitters: PubMed 36700498; DOI 10.1007/3-540-27022-1_56.